The following is an entry in ClinVar:

ClinVar aggregate classification (germline): Uncertain significance (1 of 4 stars; one submission).

Conditions:
Arrhythmogenic cardiomyopathy with wooly hair and keratoderma. Also called: Arrhythmogenic cardiomyopathy with woolly hair and keratoderma; PALMOPLANTAR KERATODERMA WITH LEFT VENTRICULAR CARDIOMYOPATHY AND WOOLLY HAIR; Carvajal syndrome; Dilated cardiomyopathy with woolly hair and keratoderma. Identifiers: Orphanet 65282, MedGen C1854063, MONDO:0011581, OMIM 605676.
Arrhythmogenic right ventricular dysplasia 8 (ARVD8). Also called: Arrhythmogenic Right Ventricular Dysplasia/Cardiomyopathy 8; ARRHYTHMOGENIC RIGHT VENTRICULAR DYSPLASIA, FAMILIAL, 8; ARRHYTHMOGENIC RIGHT VENTRICULAR CARDIOMYOPATHY 8. Identifiers: MedGen C1843896, MONDO:0011831, OMIM 607450.

gnomAD v4.1: 1 of 1,614,064 alleles (0.000062%); highest among the groups gnomAD compares: East Asian, 0.0022%; no homozygotes.

Submission:

Labcorp Genetics (formerly Invitae), Labcorp
Classification: Uncertain significance for Arrhythmogenic cardiomyopathy with wooly hair and keratoderma; Arrhythmogenic right ventricular dysplasia 8. Last evaluated: 2025-07-22. Review status: criteria provided, single submitter. Criteria: Invitae Variant Classification Sherloc (09022015). Collection method: clinical testing. Allele origin: germline.
Comment: This sequence change falls in intron 18 of the DSP gene. It does not directly change the encoded amino acid sequence of the DSP protein. It affects a nucleotide within the consensus splice site. This variant is not present in population databases (gnomAD no frequency). This variant has not been reported in the literature in individuals affected with DSP-related conditions. ClinVar contains an entry for this variant (Variation ID: 3761451). Variants that disrupt the consensus splice site are a relatively common cause of aberrant splicing (PMID: 17576681, 9536098). Algorithms developed to predict the effect of sequence changes on RNA splicing suggest that this variant may disrupt the consensus splice site. In summary, the available evidence is currently insufficient to determine the role of this variant in disease. Therefore, it has been classified as a Variant of Uncertain Significance.

Literature cited by the submitters: PubMed 17576681; PubMed 9536098.

NM_004415.4(DSP):c.2630+3A>C

Gene: DSP (desmoplakin; plus strand). Cytogenetic location: 6p24.3.
Variant type: single nucleotide variant.
Coding change: c.2630+3A>C on transcript NM_004415.4 (MANE Select); 3 bases into the intron after coding-DNA position 2630, A replaced by C.
Molecular consequence: intron variant.
Genome position (GRCh38, 1-based): chr6:7,575,491, A>C. VCF-style: chr6-7575491-A-C. GRCh37 (hg19) VCF-style: chr6-7575724-A-C.
Other names: c.2630+3A>C (NM_001319034.2, NM_001008844.3).
Identifiers: ClinVar variation 3761451 (VCV003761451.2).